The following is an entry in ClinVar:

NM_000138.5(FBN1):c.1297G>T (p.Glu433Ter)

Gene: FBN1 (fibrillin 1; minus strand). Cytogenetic location: 15q21.1.
Variant type: single nucleotide variant.
Coding change: c.1297G>T on transcript NM_000138.5 (MANE Select); coding-DNA position 1297, G replaced by T.
Protein change: p.Glu433Ter; replaces glutamic acid 433 with a stop codon.
Molecular consequence: nonsense.
Genome position (GRCh38, 1-based): chr15:48,516,213, C>A on the plus strand (G>T on the coding strand, the complement: FBN1 is on the minus strand). VCF-style: chr15-48516213-C-A. GRCh37 (hg19) VCF-style: chr15-48808410-C-A.
Other names: short protein forms E433*.
Identifiers: ClinVar variation 1098807 (VCV001098807.1), dbSNP rs2141330884, ClinGen allele CA392345400.

ClinVar aggregate classification (germline): Likely pathogenic (1 of 4 stars; one submission).

Conditions:
Marfan Syndrome/Loeys-Dietz Syndrome/Familial Thoracic Aortic Aneurysms and Dissections. Identifiers: MedGen CN229799.

Submission:

Women's Health and Genetics/Laboratory Corporation of America, LabCorp
Classification: Likely pathogenic for Marfan Syndrome/Loeys-Dietz Syndrome/Familial Thoracic Aortic Aneurysms and Dissections. Last evaluated: 2021-04-20. Review status: criteria provided, single submitter. Criteria: LabCorp Variant Classification Summary - May 2015. Collection method: clinical testing. Allele origin: germline.
Comment: Variant summary: FBN1 c.1297G>T (p.Glu433X) results in a premature termination codon, predicted to cause a truncation of the encoded protein or absence of the protein due to nonsense mediated decay, which are commonly known mechanisms for disease. Truncations downstream of this position have been classified as pathogenic by our laboratory. The variant was absent in 251240 control chromosomes. To our knowledge, no occurrence of c.1297G>T in individuals affected with Marfan Syndrome and no experimental evidence demonstrating its impact on protein function have been reported. No clinical diagnostic laboratories have submitted clinical-significance assessments for this variant to ClinVar after 2014. Based on the evidence outlined above, the variant was classified as likely pathogenic.